The following is an entry in ClinVar:

NM_000214.3(JAG1):c.932C>A (p.Thr311Asn)

Gene: JAG1 (jagged canonical Notch ligand 1; minus strand). Cytogenetic location: 20p12.2.
Variant type: single nucleotide variant.
Coding change: c.932C>A on transcript NM_000214.3 (MANE Select); coding-DNA position 932, C replaced by A.
Protein change: p.Thr311Asn; replaces threonine 311 with asparagine.
Molecular consequence: missense variant.
Genome position (GRCh38, 1-based): chr20:10,652,205, G>T on the plus strand (C>A on the coding strand, the complement: JAG1 is on the minus strand). VCF-style: chr20-10652205-G-T. GRCh37 (hg19) VCF-style: chr20-10632853-G-T.
Other names: short protein forms T311N.
Identifiers: ClinVar variation 3573408 (VCV003573408.2).

Conditions:
Arteriohepatic dysplasia. Also called: Alagille Syndrome. Identifiers: Orphanet 52, MedGen C0085280, MeSH D016738, MONDO:0007318.

Submission:

Gilbert/Spinner Lab, Children's Hospital of Philadelphia
No classification provided (evidence only). Condition: Alagille syndrome. Review status: no classification provided. Collection method: research. Allele origin: not applicable. Functional consequence: functionally_abnormal.
ClinVar note: "not provided" was previously submitted as the classification for the variant. However, the classification appeared to be based only on an observation of functional data so it was converted to no classification on 2025-07-30.